The following is an entry in ClinVar:

ClinVar aggregate classification (germline): Likely benign (1 of 4 stars; one submission).

Submission:

CeGaT Center for Human Genetics Tuebingen
Classification: Likely benign. Last evaluated: 2026-09-01. Review status: criteria provided, single submitter. Criteria: CeGaT Center For Human Genetics Tuebingen Variant Classification Criteria Version 2. Collection method: clinical testing. Allele origin: germline. Affected: yes. Observed: 2 variant alleles.
Comment: OR4F17: BP4, BP7

NM_001005240.3(OR4F17):c.369A>C (p.Leu123=)

Gene: OR4F17 (olfactory receptor family 4 subfamily F member 17; plus strand). Cytogenetic location: 19p13.3.
Variant type: single nucleotide variant.
Coding change: c.369A>C on transcript NM_001005240.3 (MANE Select); coding-DNA position 369, A replaced by C.
Protein change: p.Leu123=; no amino-acid change (leucine 123 retained).
Molecular consequence: synonymous variant.
Genome position (GRCh38, 1-based): chr19:111,047, A>C. VCF-style: chr19-111047-A-C. GRCh37 (hg19) VCF-style: chr19-111047-A-C.
Other names: c.432A>C, p.Leu144= (NM_001429985.1).
Identifiers: ClinVar variation 4534589 (VCV004534589.6).